The following is an entry in ClinVar:

NM_005076.5(CNTN2):c.1240+2_1240+6del

Gene: CNTN2 (contactin 2; plus strand). Cytogenetic location: 1q32.1.
Variant type: Deletion.
Coding change: c.1240+2_1240+6del on transcript NM_005076.5 (MANE Select); the canonical splice donor site of the intron after coding-DNA position 1240 through 6 bases into the intron after coding-DNA position 1240, 5 bases deleted (TAAGG; older notation c.1240+2_1240+6delTAAGG).
Molecular consequence: splice donor variant.
Genome position (GRCh38, 1-based): chr1:205,062,571-205,062,575, TAAGG deleted; deleting any 5 consecutive bases within chr1:205,062,567-205,062,575 gives the same sequence; the c. name uses the placement nearest the transcript's 3' end. VCF-style (leftmost placement, unchanged base first): chr1-205062566-CAAGGT-C. GRCh37 (hg19) VCF-style: chr1-205031694-CAAGGT-C.
Other names: c.1240+2_1240+6del (NM_001346083.2).
Identifiers: ClinVar variation 4721283 (VCV004721283.1).

ClinVar aggregate classification (germline): Likely pathogenic (1 of 4 stars; one submission).

Conditions:
Epilepsy, familial adult myoclonic, 5 (EPEO5). Also called: CORTICAL MYOCLONIC TREMOR WITH EPILEPSY, FAMILIAL, 5. Identifiers: Orphanet 86814, MedGen C3809374, MONDO:0014167, OMIM 615400.

Submission:

Labcorp Genetics (formerly Invitae), Labcorp
Classification: Likely pathogenic for Epilepsy, familial adult myoclonic, 5. Last evaluated: 2025-09-01. Review status: criteria provided, single submitter. Criteria: Invitae Variant Classification Sherloc (09022015). Collection method: clinical testing. Allele origin: germline.
Comment: This sequence change affects a splice site in intron 10 of the CNTN2 gene. It is expected to disrupt RNA splicing. Variants that disrupt the donor or acceptor splice site typically lead to a loss of protein function (PMID: 16199547), and loss-of-function variants in CNTN2 are known to be pathogenic (PMID: 11178983, 23518707). This variant is not present in population databases (gnomAD no frequency). This variant has not been reported in the literature in individuals affected with CNTN2-related conditions. Algorithms developed to predict the effect of sequence changes on RNA splicing suggest that this variant may disrupt the consensus splice site. In summary, the currently available evidence indicates that the variant is pathogenic, but additional data are needed to prove that conclusively. Therefore, this variant has been classified as Likely Pathogenic.

Literature cited by the submitters: PubMed 16199547; PubMed 11178983; PubMed 23518707.